The following is an entry in ClinVar:

NM_000399.5(EGR2):c.91C>T (p.Leu31Phe)

Gene: EGR2 (early growth response 2; minus strand). Cytogenetic location: 10q21.3.
Variant type: single nucleotide variant.
Coding change: c.91C>T on transcript NM_000399.5 (MANE Select); coding-DNA position 91, C replaced by T.
Protein change: p.Leu31Phe; replaces leucine 31 with phenylalanine.
Molecular consequence: missense variant. On other transcripts: 5 prime UTR variant (2).
Genome position (GRCh38, 1-based): chr10:62,815,939, G>A on the plus strand (C>T on the coding strand, the complement: EGR2 is on the minus strand). VCF-style: chr10-62815939-G-A. GRCh37 (hg19) VCF-style: chr10-64575699-G-A.
Other names: c.91C>T, p.Leu31Phe (NM_001136177.3, NM_001136178.2); c.-60C>T (NM_001136179.3, NM_001321037.2); short protein forms L31F.
Identifiers: ClinVar variation 462789 (VCV000462789.8), dbSNP rs535186925, ClinGen allele CA5517341.

ClinVar aggregate classification (germline): Uncertain significance. Review status: criteria provided, multiple submitters, no conflicts (2 of 4 stars). 2 submissions from 2 submitters: Uncertain significance (2). Last evaluated 2025-01-06.

Conditions:
Charcot-Marie-Tooth disease, type I (CMT1). Also called: Charcot-Marie-Tooth disease type 1; Charcot-Marie-Tooth, Type 1. Identifiers: Orphanet 65753, MedGen C0751036, MONDO:0019011.

Allele frequency attached by ClinVar (database versions not stated): TOPMed 0.00001; 1000 Genomes Project 0.00020; 1000 Genomes Project 30x 0.00031.
gnomAD v4.1: 9 of 1,614,172 alleles (0.00056%); highest among the groups gnomAD compares: Admixed American, 0.01%; no homozygotes.

Submissions (2):

Labcorp Genetics (formerly Invitae), Labcorp
Classification: Uncertain significance for Charcot-Marie-Tooth disease, type I. Last evaluated: 2025-01-06. Review status: criteria provided, single submitter. Criteria: Invitae Variant Classification Sherloc (09022015). Collection method: clinical testing. Allele origin: germline.
Comment: This sequence change replaces leucine, which is neutral and non-polar, with phenylalanine, which is neutral and non-polar, at codon 31 of the EGR2 protein (p.Leu31Phe). This variant is present in population databases (rs535186925, gnomAD 0.01%). This variant has not been reported in the literature in individuals affected with EGR2-related conditions. ClinVar contains an entry for this variant (Variation ID: 462789). Invitae Evidence Modeling of protein sequence and biophysical properties (such as structural, functional, and spatial information, amino acid conservation, physicochemical variation, residue mobility, and thermodynamic stability) has been performed for this missense variant. However, the output from this modeling did not meet the statistical confidence thresholds required to predict the impact of this variant on EGR2 protein function. In summary, the available evidence is currently insufficient to determine the role of this variant in disease. Therefore, it has been classified as a Variant of Uncertain Significance.

GeneDx
Classification: Uncertain significance. Last evaluated: 2022-02-25. Review status: criteria provided, single submitter. Criteria: GeneDx Variant Classification Process June 2021. Collection method: clinical testing. Allele origin: germline. Affected: yes.
Comment: In silico analysis supports that this missense variant does not alter protein structure/function; Has not been previously published as pathogenic or benign to our knowledge